The following is an entry in ClinVar:

NM_004933.3(CDH15):c.1023G>A (p.Ser341=)

Gene: CDH15 (cadherin 15; plus strand). Cytogenetic location: 16q24.3.
Variant type: single nucleotide variant.
Coding change: c.1023G>A on transcript NM_004933.3 (MANE Select); coding-DNA position 1023, G replaced by A.
Protein change: p.Ser341=; no amino-acid change (serine 341 retained).
Molecular consequence: synonymous variant.
Genome position (GRCh38, 1-based): chr16:89,190,287, G>A. VCF-style: chr16-89190287-G-A. GRCh37 (hg19) VCF-style: chr16-89256695-G-A.
Identifiers: ClinVar variation 128641 (VCV000128641.12), dbSNP rs72819366, ClinGen allele CA152222.

ClinVar aggregate classification (germline): Benign. Review status: criteria provided, multiple submitters, no conflicts (2 of 4 stars). 4 submissions from 4 submitters: Benign (3). 1 of the submissions does not count toward it. Last evaluated 2021-07-14.

Conditions:
Intellectual developmental disorder, autosomal dominant 3. Also called: Intellectual disability, autosomal dominant 3. Identifiers: MedGen C2675488, MONDO:0012946, OMIM 612580.

Allele frequency attached by ClinVar (database versions not stated): TOPMed 0.14668; gnomAD 0.15210 and 0.15790; ESP Exome Variant Server 0.15319; 1000 Genomes Project 30x 0.16724; 1000 Genomes Project 0.17552; gnomAD exomes 0.18290; ExAC 0.19386.
gnomAD v4.1: 311,823 of 1,612,062 alleles (19%); highest among the groups gnomAD compares: East Asian, 33%; 31,774 homozygotes.

Submissions (4):

Genome-Nilou Lab
Classification: Benign for Intellectual developmental disorder, autosomal dominant 3. Last evaluated: 2021-07-14. Review status: criteria provided, single submitter. Criteria: ACMG Guidelines, 2015. Collection method: clinical testing. Allele origin: germline. Affected: no.

GeneDx
Classification: Benign. Last evaluated: 2019-10-16. Review status: criteria provided, single submitter. Criteria: GeneDx Variant Classification Process June 2021. Collection method: clinical testing. Allele origin: germline. Affected: yes.

Breakthrough Genomics
Classification: Benign. Review status: criteria provided, single submitter. Criteria: ACMG Guidelines, 2015. Collection method: not provided. Allele origin: germline. Inheritance: Autosomal dominant inheritance. Affected: yes.

Genetic Services Laboratory, University of Chicago
Classification: Likely benign for AllHighlyPenetrant. Review status: no assertion criteria provided. Collection method: clinical testing. Allele origin: germline. Inheritance: Autosomal dominant inheritance. Not counted in ClinVar's aggregate classification.
Comment: Likely benign based on allele frequency in 1000 Genomes Project or ESP global frequency and its presence in a patient with a rare or unrelated disease phenotype. NOT Sanger confirmed.